The following is an entry in ClinVar:

ClinVar aggregate classification (germline): Uncertain significance (1 of 4 stars; one submission).

Submission:

GeneDx
Classification: Uncertain significance. Last evaluated: 2018-11-13. Review status: criteria provided, single submitter. Criteria: GeneDx Variant Classification (06012015). Collection method: clinical testing. Allele origin: germline. Affected: yes.
Comment: The R2747P variant in the SPEG gene has not been reported previously as a pathogenic variant, nor as a benign variant, to our knowledge. The R2747P variant is not observed in large population cohorts (Lek et al., 2016). The R2747P variant is a non-conservative amino acid substitution, which is likely to impact secondary protein structure as these residues differ in polarity, charge, size and/or other properties. This substitution occurs at a position that is conserved across species. In silico analysis predicts this variant is probably damaging to the protein structure/function. We interpret R2747P as a variant of uncertain significance.

NM_005876.5(SPEG):c.8240G>C (p.Arg2747Pro)

Genes: ASIC4-AS1 (ASIC4 antisense RNA 1; minus strand), SPEG (striated muscle enriched protein kinase; plus strand). Cytogenetic location: 2q35.
Variant type: single nucleotide variant.
Coding change: c.8240G>C on transcript NM_005876.5 (MANE Select); coding-DNA position 8240, G replaced by C.
Protein change: p.Arg2747Pro; replaces arginine 2747 with proline.
Molecular consequence: missense variant.
Genome position (GRCh38, 1-based): chr2:219,489,144, G>C. VCF-style: chr2-219489144-G-C. GRCh37 (hg19) VCF-style: chr2-220353866-G-C.
Other names: short protein forms R2747P.
Identifiers: ClinVar variation 453150 (VCV000453150.2), dbSNP rs1212797507, ClinGen allele CA350708705.